The following is an entry in ClinVar:

NM_007192.4(SUPT16H):c.740T>C (p.Ile247Thr)

Gene: SUPT16H (SPT16 homolog, facilitates chromatin remodeling subunit; minus strand). Cytogenetic location: 14q11.2.
Variant type: single nucleotide variant.
Coding change: c.740T>C on transcript NM_007192.4 (MANE Select); coding-DNA position 740, T replaced by C.
Protein change: p.Ile247Thr; replaces isoleucine 247 with threonine.
Molecular consequence: missense variant.
Genome position (GRCh38, 1-based): chr14:21,369,246, A>G on the plus strand (T>C on the coding strand, the complement: SUPT16H is on the minus strand). VCF-style: chr14-21369246-A-G. GRCh37 (hg19) VCF-style: chr14-21837405-A-G.
Other names: short protein forms I247T.
Identifiers: ClinVar variation 4086377 (VCV004086377.2).
Genomic context (GRCh38, chr14:21,369,246, plus strand): 5'-AAGTCTTCATATACTTACCTCACCACACTGAACTTGAGATTATAGTTGCCACCACTCTGA[A>G]TGATAGGAGGGTAACACATTTCCACAGTAGAAGGGTCTGCCCCAGCAAGGTATTTTTTCT-3'
Protein context (NP_009123.1, residues 237-257): STVEMCYPPI[Ile247Thr]QSGGNYNLKF

ClinVar aggregate classification (germline): Uncertain significance (1 of 4 stars; one submission).

Submission:

GeneDx
Classification: Uncertain significance. Last evaluated: 2025-11-05. Review status: criteria provided, single submitter. Criteria: GeneDx Variant Classification Process June 2021. Collection method: clinical testing. Allele origin: germline.
Comment: Not observed at significant frequency in large population cohorts (gnomAD); In silico analysis supports that this missense variant has a deleterious effect on protein structure/function; Has not been previously published as pathogenic or benign to our knowledge